The following is an entry in ClinVar:

ClinVar aggregate classification (germline): Benign. Review status: criteria provided, multiple submitters, no conflicts (2 of 4 stars). 3 submissions from 3 submitters: Benign (3). Last evaluated 2018-07-03.

Conditions:
Aortic aneurysm, familial thoracic 4 (AAT4). Also called: AORTIC ANEURYSM/AORTIC DISSECTION AND PATENT DUCTUS ARTERIOSUS. Identifiers: MedGen C1851504, MONDO:0007568, OMIM 132900.

Allele frequency attached by ClinVar (database versions not stated): gnomAD 0.92630 and 0.92861; TOPMed 0.92672; gnomAD exomes 0.92799; ExAC 0.92820; 1000 Genomes Project 30x 0.95456; 1000 Genomes Project 0.95607.
gnomAD v4.1: 1,322,513 of 1,453,724 alleles (91%); highest among the groups gnomAD compares: East Asian, 100%; 602,411 homozygotes.

Submissions (3):

ARUP Laboratories, Molecular Genetics and Genomics, ARUP Laboratories
Classification: Benign for Aortic aneurysm, familial thoracic 4. Last evaluated: 2018-07-03. Review status: criteria provided, single submitter. Criteria: ARUP Molecular Germline Variant Investigation Process. Collection method: clinical testing. Allele origin: germline.

GeneDx
Classification: Benign. Last evaluated: 2018-06-14. Review status: criteria provided, single submitter. Criteria: GeneDx Variant Classification (06012015). Collection method: clinical testing. Allele origin: germline. Affected: yes.
Comment: This variant is considered likely benign or benign based on one or more of the following criteria: it is a conservative change, it occurs at a poorly conserved position in the protein, it is predicted to be benign by multiple in silico algorithms, and/or has population frequency not consistent with disease.

Breakthrough Genomics
Classification: Benign. Review status: criteria provided, single submitter. Criteria: ACMG Guidelines, 2015. Collection method: not provided. Allele origin: germline. Inheritance: Autosomal recessive inheritance. Affected: yes.

NM_002474.3(MYH11):c.2058+96C>T

Gene: MYH11 (myosin heavy chain 11; minus strand). Cytogenetic location: 16p13.11.
Variant type: single nucleotide variant.
Coding change: c.2058+96C>T on transcript NM_002474.3 (MANE Select); 96 bases into the intron after coding-DNA position 2058, C replaced by T.
Molecular consequence: intron variant.
Genome position (GRCh38, 1-based): chr16:15,750,042, G>A on the plus strand (C>T on the coding strand, the complement: MYH11 is on the minus strand). VCF-style: chr16-15750042-G-A. GRCh37 (hg19) VCF-style: chr16-15843899-G-A.
Other names: c.2058+96C>T (NM_022844.3); c.2079+96C>T (NM_001040114.2, NM_001040113.2).
Identifiers: ClinVar variation 672356 (VCV000672356.10), dbSNP rs6498570, ClinGen allele CA7922416.